The following is an entry in ClinVar:

NM_015046.7(SETX):c.2934C>T (p.Ser978=)

Gene: SETX (senataxin; minus strand). Cytogenetic location: 9q34.13.
Variant type: single nucleotide variant.
Coding change: c.2934C>T on transcript NM_015046.7 (MANE Select); coding-DNA position 2934, C replaced by T.
Protein change: p.Ser978=; no amino-acid change (serine 978 retained).
Molecular consequence: synonymous variant.
Genome position (GRCh38, 1-based): chr9:132,328,664, G>A on the plus strand (C>T on the coding strand, the complement: SETX is on the minus strand). VCF-style: chr9-132328664-G-A. GRCh37 (hg19) VCF-style: chr9-135204051-G-A.
Other names: c.2934C>T, p.Ser978= (NM_001351527.2, NM_001351528.2).
Identifiers: ClinVar variation 912591 (VCV000912591.13), dbSNP rs144154512, ClinGen allele CA5297511.

ClinVar aggregate classification (germline): Conflicting classifications of pathogenicity. Review status: criteria provided, conflicting classifications (1 of 4 stars). 4 submissions from 3 submitters: Uncertain significance (1); Likely benign (3). Last evaluated 2023-11-17.

Conditions:
Amyotrophic lateral sclerosis type 4 (ALS4). Also called: NEURONOPATHY, DISTAL HEREDITARY MOTOR, WITH PYRAMIDAL FEATURES; AMYOTROPHIC LATERAL SCLEROSIS 4, JUVENILE. Identifiers: Orphanet 357043, MedGen C1865409, MONDO:0011223, OMIM 602433.
Spinocerebellar ataxia, autosomal recessive, with axonal neuropathy 2 (SCAN2). Also called: Ataxia-ocular apraxia-2; Ataxia with Oculomotor Apraxia; ATAXIA-OCULOMOTOR APRAXIA 2; Ataxia with Oculomotor Apraxia Type 2. Identifiers: Orphanet 64753, MedGen C1853761, MONDO:0018996, OMIM 606002.

Allele frequency attached by ClinVar (database versions not stated): gnomAD 0.00001 and 0.00002; TOPMed 0.00002; ExAC 0.00006; 1000 Genomes Project 30x 0.00031; 1000 Genomes Project 0.00040.
gnomAD v4.1: 14 of 1,613,252 alleles (0.00087%); highest among the groups gnomAD compares: African/African-American, 0.004%; no homozygotes.

Submissions (4):

Labcorp Genetics (formerly Invitae), Labcorp
Classification: Likely benign for Amyotrophic lateral sclerosis type 4; Spinocerebellar ataxia, autosomal recessive, with axonal neuropathy 2. Last evaluated: 2023-11-17. Review status: criteria provided, single submitter. Criteria: Invitae Variant Classification Sherloc (09022015). Collection method: clinical testing. Allele origin: germline.

Blueprint Genetics
Classification: Likely benign. Last evaluated: 2020-10-22. Review status: criteria provided, single submitter. Criteria: ACMG Guidelines, 2015. Collection method: clinical testing. Allele origin: germline.

Illumina Laboratory Services, Illumina
Classification: Uncertain significance for Spinocerebellar ataxia, autosomal recessive, with axonal neuropathy 2. Last evaluated: 2018-01-12. Review status: criteria provided, single submitter. Criteria: ICSL Variant Classification Criteria 13 December 2019. Collection method: clinical testing. Allele origin: germline.

Illumina Laboratory Services, Illumina
Classification: Likely benign for Amyotrophic lateral sclerosis type 4. Last evaluated: 2018-01-12. Review status: criteria provided, single submitter. Criteria: ICSL Variant Classification Criteria 13 December 2019. Collection method: clinical testing. Allele origin: germline.
Comment: This variant was observed in the ICSL laboratory as part of a predisposition screen in an ostensibly healthy population. It had not been previously curated by ICSL or reported in the Human Gene Mutation Database (HGMD: prior to June 1st, 2018), and was therefore a candidate for classification through an automated scoring system. Utilizing variant allele frequency, disease prevalence and penetrance estimates, and inheritance mode, an automated score was calculated to assess if this variant is too frequent to cause the disease. Based on the score and internal cut-off values, a variant classified as likely benign is not then subjected to further curation. The score for this variant resulted in a classification of likely benign for this disease.